The following is an entry in ClinVar:

ClinVar aggregate classification (germline): Uncertain significance (1 of 4 stars; one submission).

Allele frequency attached by ClinVar (database versions not stated): gnomAD exomes below 0.00001; TOPMed below 0.00001.
gnomAD v4.1: 3 of 1,613,334 alleles (0.00019%); highest among the groups gnomAD compares: Middle Eastern, 0.033%; no homozygotes.

Submission:

Labcorp Genetics (formerly Invitae), Labcorp
Classification: Uncertain significance. Last evaluated: 2022-02-24. Review status: criteria provided, single submitter. Criteria: Invitae Variant Classification Sherloc (09022015). Collection method: clinical testing. Allele origin: germline.
Comment: This sequence change replaces alanine, which is neutral and non-polar, with glycine, which is neutral and non-polar, at codon 843 of the MCM4 protein (p.Ala843Gly). This variant is present in population databases (no rsID available, gnomAD 0.0009%). This variant has not been reported in the literature in individuals affected with MCM4-related conditions. Algorithms developed to predict the effect of missense changes on protein structure and function are either unavailable or do not agree on the potential impact of this missense change (SIFT: "Deleterious"; PolyPhen-2: "Benign"; Align-GVGD: "Class C55"). In summary, the available evidence is currently insufficient to determine the role of this variant in disease. Therefore, it has been classified as a Variant of Uncertain Significance.

NM_182746.3(MCM4):c.2528C>G (p.Ala843Gly)

Gene: MCM4 (minichromosome maintenance complex component 4; plus strand). Cytogenetic location: 8q11.21.
Variant type: single nucleotide variant.
Coding change: c.2528C>G on transcript NM_182746.3 (MANE Select); coding-DNA position 2528, C replaced by G.
Protein change: p.Ala843Gly; replaces alanine 843 with glycine.
Molecular consequence: missense variant.
Genome position (GRCh38, 1-based): chr8:47,976,714, C>G. VCF-style: chr8-47976714-C-G. GRCh37 (hg19) VCF-style: chr8-48889274-C-G.
Other names: c.2528C>G, p.Ala843Gly (NM_005914.4); short protein forms A843G.
Identifiers: ClinVar variation 1510833 (VCV001510833.5), dbSNP rs1307736306, ClinGen allele CA371156671.